The following is an entry in ClinVar:

ClinVar aggregate classification (germline): Uncertain significance (1 of 4 stars; one submission).

Conditions:
Parkinsonism-dystonia, infantile. Identifiers: Orphanet 238455, MedGen C2751067, MONDO:0013150.

Submission:

Labcorp Genetics (formerly Invitae), Labcorp
Classification: Uncertain significance for Parkinsonism-dystonia, infantile. Last evaluated: 2021-01-23. Review status: criteria provided, single submitter. Criteria: Invitae Variant Classification Sherloc (09022015). Collection method: clinical testing. Allele origin: germline.
Comment: This sequence change replaces glycine with arginine at codon 487 of the SLC6A3 protein (p.Gly487Arg). The glycine residue is highly conserved and there is a moderate physicochemical difference between glycine and arginine. This variant is not present in population databases (ExAC no frequency). This variant has not been reported in the literature in individuals with SLC6A3-related conditions. Algorithms developed to predict the effect of missense changes on protein structure and function (SIFT, PolyPhen-2, Align-GVGD) all suggest that this variant is likely to be disruptive, but these predictions have not been confirmed by published functional studies and their clinical significance is uncertain. Algorithms developed to predict the effect of sequence changes on RNA splicing suggest that this variant may create or strengthen a splice site, but this prediction has not been confirmed by published transcriptional studies. In summary, the available evidence is currently insufficient to determine the role of this variant in disease. Therefore, it has been classified as a Variant of Uncertain Significance.

NM_001044.5(SLC6A3):c.1459G>A (p.Gly487Arg)

Gene: SLC6A3 (solute carrier family 6 member 3). Cytogenetic location: 5p15.33.
Variant type: single nucleotide variant.
Coding change: c.1459G>A on transcript NM_001044.5 (MANE Select); coding-DNA position 1459, G replaced by A.
Protein change: p.Gly487Arg; replaces glycine 487 with arginine.
Molecular consequence: missense variant.
Genome position (GRCh38, 1-based): chr5:1,409,065, C>T on the plus strand (G>A on the coding strand, the complement: SLC6A3 is on the minus strand). VCF-style: chr5-1409065-C-T. GRCh37 (hg19) VCF-style: chr5-1409180-C-T.
Other names: short protein forms G487R.
Identifiers: ClinVar variation 1479297 (VCV001479297.8), dbSNP rs2126338372, ClinGen allele CA359077938.